The following is an entry in ClinVar:

ClinVar aggregate classification (germline): Uncertain significance. Review status: criteria provided, multiple submitters, no conflicts (2 of 4 stars). 2 submissions from 2 submitters: Uncertain significance (2). Last evaluated 2024-03-22.

Conditions:
Bronchiectasis with or without elevated sweat chloride 3 (BESC3). Identifiers: Orphanet 60033, MedGen C2751324, MONDO:0013112, OMIM 613071.
Pseudohypoaldosteronism, type IB3, autosomal recessive (PHA1B3). Identifiers: MedGen C5774256, MONDO:0859318, OMIM 620126.
Liddle syndrome 2. Identifiers: MedGen C4748251, MONDO:0020854, OMIM 618114.
SCNN1G-related disorder. Also called: SCNN1G-related condition; SCNN1G-Related Disorders.

Submissions (2):

Fulgent Genetics
Classification: Uncertain significance for Bronchiectasis with or without elevated sweat chloride 3; Liddle syndrome 2; Pseudohypoaldosteronism, type IB3, autosomal recessive. Last evaluated: 2024-03-22. Review status: criteria provided, single submitter. Criteria: ACMG Guidelines, 2015. Collection method: clinical testing. Allele origin: germline.

PreventionGenetics, part of Exact Sciences
Classification: Uncertain significance for SCNN1G-related condition. Last evaluated: 2023-03-20. Review status: criteria provided, single submitter. Criteria: ACMG Guidelines, 2015. Collection method: clinical testing. Allele origin: germline.
Comment: The SCNN1G c.1874C>T variant is predicted to result in the amino acid substitution p.Pro625Leu. This variant was reported in the heterozygous state in an individual with pediatric Liddle syndrome that was characterized by early-onset hypertension (Fan et al. 2020. PubMed ID: 32161960). The c.1874C>T variant was also found in three other family members who all presented with early-onset hypertension and was absent in unaffected family members (Fan et al. 2020. PubMed ID: 32161960). This variant has not been reported in a large population database, indicating this variant is rare. Although we suspect that this variant may be pathogenic, at this time, the clinical significance of this variant is uncertain due to the absence of conclusive functional and genetic evidence.

NM_001039.4(SCNN1G):c.1874C>T (p.Pro625Leu)

Gene: SCNN1G (sodium channel epithelial 1 subunit gamma; plus strand). Cytogenetic location: 16p12.2.
Variant type: single nucleotide variant.
Coding change: c.1874C>T on transcript NM_001039.4 (MANE Select); coding-DNA position 1874, C replaced by T.
Protein change: p.Pro625Leu; replaces proline 625 with leucine.
Molecular consequence: missense variant.
Genome position (GRCh38, 1-based): chr16:23,215,393, C>T. VCF-style: chr16-23215393-C-T. GRCh37 (hg19) VCF-style: chr16-23226714-C-T.
Other names: short protein forms P625L.
Identifiers: ClinVar variation 2633627 (VCV002633627.2), dbSNP rs1960144557, ClinGen allele CA395103981.